The following is an entry in ClinVar:

NM_020117.11(LARS1):c.2629-13_2629-8del

Gene: LARS1 (leucyl-tRNA synthetase 1; minus strand). Cytogenetic location: 5q32.
Variant type: Deletion.
Coding change: c.2629-13_2629-8del on transcript NM_020117.11 (MANE Select); 13 bases into the intron before coding-DNA position 2629 through 8 bases into the intron before coding-DNA position 2629, 6 bases deleted (CTTTTT; older notation c.2629-13_2629-8delCTTTTT).
Molecular consequence: intron variant.
Genome position (GRCh38, 1-based): chr5:146,129,126-146,129,131, AAAAAG deleted on the plus strand (CTTTTT on the coding strand, the reverse complement: LARS1 is on the minus strand); deleting any 6 consecutive bases within chr5:146,129,126-146,129,136 gives the same sequence; the c. name uses the placement nearest the transcript's 3' end. VCF-style (leftmost placement, unchanged base first): chr5-146129125-AAAAAAG-A. GRCh37 (hg19) VCF-style: chr5-145508688-AAAAAAG-A.
Other names: NC_000005.9:g.145508694_145508699del; c.2467-13_2467-8del (NM_001317965.2); c.2548-13_2548-8del (NM_016460.4); c.2491-13_2491-8del (NM_001317964.2); c.2629-18_2629-13del (NM_020117.11); c.2629-18_2629-13delTTTTTC (NM_020117.9); c.2629-13_2629-8delCTTTTT (NM_020117.9).
Identifiers: ClinVar variation 214562 (VCV000214562.10), dbSNP rs67107752, ClinGen allele CA321705.

ClinVar aggregate classification (germline): Benign. Review status: criteria provided, multiple submitters, no conflicts (2 of 4 stars). 3 submissions from 2 submitters: Benign (2). 1 of the submissions does not count toward it. Last evaluated 2026-02-04.

Submissions (12):

Labcorp Genetics (formerly Invitae), Labcorp
Classification: Benign. Last evaluated: 2026-02-04. Review status: criteria provided, single submitter. Criteria: Invitae Variant Classification Sherloc (09022015). Collection method: clinical testing. Allele origin: germline.

GeneDx
Classification: Benign. Last evaluated: 2013-09-09. Review status: criteria provided, single submitter. Criteria: GeneDx Variant Classification (06012015). Collection method: clinical testing. Allele origin: germline. Affected: yes.
Comment: The variant is found in MITONUC-MITOP panel(s).

Dr. Peter K. Rogan Lab, Western University
No classification provided (evidence only). Condition: Acute myeloid leukemia. Review status: no classification provided. Collection method: in vitro. Allele origin: not applicable. Functional consequence: retained intron. Not counted in ClinVar's aggregate classification.

Dr. Peter K. Rogan Lab, Western University
No classification provided (evidence only). Condition: Cholangiocarcinoma. Review status: no classification provided. Collection method: in vitro. Allele origin: not applicable. Functional consequence: retained intron. Not counted in ClinVar's aggregate classification.

Dr. Peter K. Rogan Lab, Western University
No classification provided (evidence only). Condition: Cholangiocarcinoma. Review status: no classification provided. Collection method: in vitro. Allele origin: not applicable. Functional consequence: retained intron. Not counted in ClinVar's aggregate classification.

Dr. Peter K. Rogan Lab, Western University
No classification provided (evidence only). Condition: Cholangiocarcinoma. Review status: no classification provided. Collection method: in vitro. Allele origin: not applicable. Functional consequence: retained intron. Not counted in ClinVar's aggregate classification.

Dr. Peter K. Rogan Lab, Western University
No classification provided (evidence only). Condition: Cholangiocarcinoma. Review status: no classification provided. Collection method: in vitro. Allele origin: not applicable. Functional consequence: retained intron. Not counted in ClinVar's aggregate classification.

Dr. Peter K. Rogan Lab, Western University
No classification provided (evidence only). Condition: Cholangiocarcinoma. Review status: no classification provided. Collection method: in vitro. Allele origin: not applicable. Functional consequence: retained intron. Not counted in ClinVar's aggregate classification.

Dr. Peter K. Rogan Lab, Western University
No classification provided (evidence only). Condition: Cholangiocarcinoma. Review status: no classification provided. Collection method: in vitro. Allele origin: not applicable. Functional consequence: retained intron. Not counted in ClinVar's aggregate classification.

Dr. Peter K. Rogan Lab, Western University
No classification provided (evidence only). Condition: Cholangiocarcinoma. Review status: no classification provided. Collection method: in vitro. Allele origin: not applicable. Functional consequence: retained intron. Not counted in ClinVar's aggregate classification.

Dr. Peter K. Rogan Lab, Western University
No classification provided (evidence only). Condition: Uterine corpus endometrial carcinoma. Review status: no classification provided. Collection method: in vitro. Allele origin: not applicable. Functional consequence: retained intron. Not counted in ClinVar's aggregate classification.

GeneDx
Classification: Benign. Last evaluated: 2013-09-23. Review status: flagged submission. Criteria: GeneDx Variant Classification (06012015). Collection method: clinical testing. Allele origin: germline. Affected: yes. Not counted in ClinVar's aggregate classification.
Comment: the same text as in the submission from GeneDx above.
ClinVar note: Reason: This record appears to be redundant with a more recent record from the same submitter.
ClinVar note: Notes: SCV000251626 appears to be redundant with SCV000251627.